The following is an entry in ClinVar:

ClinVar aggregate classification (germline): Uncertain significance (1 of 4 stars; one submission).

Conditions:
3-hydroxy-3-methylglutaryl-CoA synthase deficiency (HMGCS2D). Also called: MITOCHONDRIAL HMG-CoA SYNTHASE DEFICIENCY; HMGCS2 DEFICIENCY; HMG-CoA synthase-2 deficiency. Identifiers: Orphanet 35701, MedGen C2751532, MONDO:0011614, OMIM 605911.

gnomAD v4.1: 16 of 1,614,054 alleles (0.00099%); highest among the groups gnomAD compares: South Asian, 0.0077%; no homozygotes.

Submission:

Neuberg Centre For Genomic Medicine, NCGM
Classification: Uncertain significance for 3-hydroxy-3-methylglutaryl-CoA synthase deficiency. Last evaluated: 2023-05-20. Review status: criteria provided, single submitter. Criteria: ACMG Guidelines, 2015. Collection method: clinical testing. Allele origin: germline. Inheritance: Autosomal recessive inheritance. Affected: yes.
Comment: The observed missense c.1481G>A(p.Arg494Gln) variant in HMGCS2 gene has not been reported previously as a pathogenic variant nor as a benign variant, to our knowledge. This variant is present with an allele frequency of 0.002% in gnomAD Exomes database. This variant has not been reported to the ClinVar database. Multiple lines of computational evidence (Polyphen - Benign, SIFT - Tolerated and MutationTaster - polymorphism) predict no damaging effect on protein structure and function for this variant. The reference amino acid is predicted as conserved by GERP++ and PhyloP across 100 vertebrates. The amino acid Arg at position 494 is changed to a Gln changing protein sequence and it might alter its composition and physico-chemical properties. For these reasons, this variant has been classified as Uncertain Significance (VUS).

NM_005518.4(HMGCS2):c.1481G>A (p.Arg494Gln)

Gene: HMGCS2 (3-hydroxy-3-methylglutaryl-CoA synthase 2; minus strand). Cytogenetic location: 1p12.
Variant type: single nucleotide variant.
Coding change: c.1481G>A on transcript NM_005518.4 (MANE Select); coding-DNA position 1481, G replaced by A.
Protein change: p.Arg494Gln; replaces arginine 494 with glutamine.
Molecular consequence: missense variant.
Genome position (GRCh38, 1-based): chr1:119,750,848, C>T on the plus strand (G>A on the coding strand, the complement: HMGCS2 is on the minus strand). VCF-style: chr1-119750848-C-T. GRCh37 (hg19) VCF-style: chr1-120293471-C-T.
Other names: c.1355G>A, p.Arg452Gln (NM_001166107.1); short protein forms R452Q, R494Q.
Identifiers: ClinVar variation 3367072 (VCV003367072.1).